The following is an entry in ClinVar:

ClinVar aggregate classification (germline): Uncertain significance (1 of 4 stars; one submission).

Conditions:
Immunodeficiency. Identifiers: MedGen C0021051, MONDO:0021094, HP:0002721.

Allele frequency attached by ClinVar (database versions not stated): gnomAD exomes below 0.00001 and 0.00001; TOPMed below 0.00001; ExAC 0.00001; gnomAD 0.00002.
gnomAD v4.1: 11 of 1,582,744 alleles (0.00069%); highest among the groups gnomAD compares: African/African-American, 0.0027%; no homozygotes.

Submission:

Labcorp Genetics (formerly Invitae), Labcorp
Classification: Uncertain significance for Immunodeficiency. Last evaluated: 2022-08-16. Review status: criteria provided, single submitter. Criteria: Invitae Variant Classification Sherloc (09022015). Collection method: clinical testing. Allele origin: germline.
Comment: This sequence change replaces proline, which is neutral and non-polar, with alanine, which is neutral and non-polar, at codon 467 of the NFAT5 protein (p.Pro467Ala). The frequency data for this variant in the population databases is considered unreliable, as metrics indicate poor data quality at this position in the gnomAD database. In summary, the available evidence is currently insufficient to determine the role of this variant in disease. Therefore, it has been classified as a Variant of Uncertain Significance. Algorithms developed to predict the effect of missense changes on protein structure and function are either unavailable or do not agree on the potential impact of this missense change (SIFT: "Tolerated"; PolyPhen-2: "Probably Damaging"; Align-GVGD: "Class C0"). ClinVar contains an entry for this variant (Variation ID: 1434574). This variant has not been reported in the literature in individuals affected with NFAT5-related conditions.

NM_138713.4(NFAT5):c.1681C>G (p.Pro561Ala)

Gene: NFAT5 (nuclear factor of activated T cells 5; plus strand). Cytogenetic location: 16q22.1.
Variant type: single nucleotide variant.
Coding change: c.1681C>G on transcript NM_138713.4 (MANE Select); coding-DNA position 1681, C replaced by G.
Protein change: p.Pro561Ala; replaces proline 561 with alanine.
Molecular consequence: missense variant.
Genome position (GRCh38, 1-based): chr16:69,677,326, C>G. VCF-style: chr16-69677326-C-G. GRCh37 (hg19) VCF-style: chr16-69711229-C-G.
Other names: c.1681C>G, p.Pro561Ala (NM_001113178.3); c.1009C>G, p.Pro337Ala (NM_001367709.1); c.1627C>G, p.Pro543Ala (NM_006599.4); c.1399C>G, p.Pro467Ala (NM_138714.4, NM_173214.3, NM_173215.3); short protein forms P337A, P467A, P543A, P561A.
Identifiers: ClinVar variation 1434574 (VCV001434574.6), dbSNP rs754792616, ClinGen allele CA8135602.